The following is an entry in ClinVar:

ClinVar aggregate classification (germline): Uncertain significance (1 of 4 stars; one submission).

Conditions:
Hypertrophic cardiomyopathy. Also called: HYPERTROPHIC MYOCARDIOPATHY. Identifiers: Orphanet 217569, MedGen C0007194, MeSH D002312, MONDO:0005045, HP:0001639.

Allele frequency attached by ClinVar (database versions not stated): gnomAD exomes below 0.00001; gnomAD 0.00001; TOPMed 0.00001.
gnomAD v4.1: 8 of 1,424,992 alleles (0.00056%); highest among the groups gnomAD compares: Non-Finnish European, 0.00073%; no homozygotes.

Submission:

Labcorp Genetics (formerly Invitae), Labcorp
Classification: Uncertain significance for Hypertrophic cardiomyopathy. Last evaluated: 2023-05-19. Review status: criteria provided, single submitter. Criteria: Invitae Variant Classification Sherloc (09022015). Collection method: clinical testing. Allele origin: germline.
Comment: In summary, the available evidence is currently insufficient to determine the role of this variant in disease. Therefore, it has been classified as a Variant of Uncertain Significance. An algorithm developed to predict the effect of missense changes on protein structure and function (PolyPhen-2) suggests that this variant is likely to be tolerated. This variant has not been reported in the literature in individuals affected with JPH2-related conditions. This variant is present in population databases (no rsID available, gnomAD 0.007%). This sequence change replaces alanine, which is neutral and non-polar, with threonine, which is neutral and polar, at codon 208 of the JPH2 protein (p.Ala208Thr).

NM_020433.5(JPH2):c.622G>A (p.Ala208Thr)

Gene: JPH2 (junctophilin 2; minus strand). Cytogenetic location: 20q13.12.
Variant type: single nucleotide variant.
Coding change: c.622G>A on transcript NM_020433.5 (MANE Select); coding-DNA position 622, G replaced by A.
Protein change: p.Ala208Thr; replaces alanine 208 with threonine.
Molecular consequence: missense variant.
Genome position (GRCh38, 1-based): chr20:44,160,165, C>T on the plus strand (G>A on the coding strand, the complement: JPH2 is on the minus strand). VCF-style: chr20-44160165-C-T. GRCh37 (hg19) VCF-style: chr20-42788805-C-T.
Other names: short protein forms A208T.
Identifiers: ClinVar variation 3024050 (VCV003024050.3), dbSNP rs1297871218, ClinGen allele CA409094014.